The following is an entry in ClinVar:

NM_006282.5(STK4):c.36-3C>T

Gene: STK4 (serine/threonine kinase 4; plus strand). Cytogenetic location: 20q13.12.
Variant type: single nucleotide variant.
Coding change: c.36-3C>T on transcript NM_006282.5 (MANE Select); 3 bases into the intron before coding-DNA position 36, C replaced by T.
Molecular consequence: intron variant.
Genome position (GRCh38, 1-based): chr20:44,972,075, C>T. VCF-style: chr20-44972075-C-T. GRCh37 (hg19) VCF-style: chr20-43600716-C-T.
Other names: c.36-3C>T (NM_001352385.2).
Identifiers: ClinVar variation 2145620 (VCV002145620.1), dbSNP rs766185825, ClinGen allele CA9873704.
Genomic context (GRCh38, chr20:44,972,075, plus strand): 5'-TATTTTATGTTCTAGTTCCTAGCAAATAAAATGTATTTTGTGTTTATATTTCTTTATTCA[C>T]AGGCAGCTGAAAAAGTTGGATGAAGATAGTTTAACCAAACAACCAGAAGAAGTATTTGAT-3'

ClinVar aggregate classification (germline): Uncertain significance (1 of 4 stars; one submission).

Conditions:
Combined immunodeficiency due to STK4 deficiency (IMD110). Also called: T-cell immunodeficiency, recurrent infections, and autoimmunity with or without cardiac malformations; STK4 DEFICIENCY; MST1 DEFICIENCY. Identifiers: Orphanet 314689, MedGen C3553943, MONDO:0013934, OMIM 614868.

Allele frequency attached by ClinVar (database versions not stated): gnomAD 0.00001; TOPMed 0.00001; gnomAD exomes 0.00002; ExAC 0.00005.
gnomAD v4.1: 30 of 1,612,958 alleles (0.0019%); highest among the groups gnomAD compares: South Asian, 0.03%; 1 homozygote.

Submission:

Labcorp Genetics (formerly Invitae), Labcorp
Classification: Uncertain significance for Combined immunodeficiency due to STK4 deficiency. Last evaluated: 2022-05-24. Review status: criteria provided, single submitter. Criteria: Invitae Variant Classification Sherloc (09022015). Collection method: clinical testing. Allele origin: germline.
Comment: This sequence change falls in intron 1 of the STK4 gene. It does not directly change the encoded amino acid sequence of the STK4 protein. It affects a nucleotide within the consensus splice site. This variant is present in population databases (rs766185825, gnomAD 0.03%). This variant has not been reported in the literature in individuals affected with STK4-related conditions. Variants that disrupt the consensus splice site are a relatively common cause of aberrant splicing (PMID: 17576681, 9536098). Algorithms developed to predict the effect of sequence changes on RNA splicing suggest that this variant is not likely to affect RNA splicing. In summary, the available evidence is currently insufficient to determine the role of this variant in disease. Therefore, it has been classified as a Variant of Uncertain Significance.

Literature cited by the submitters: PubMed 17576681; PubMed 9536098.